The following is an entry in ClinVar:

NM_001453.3(FOXC1):c.730G>A (p.Ala244Thr)

Gene: FOXC1 (forkhead box C1; plus strand). Cytogenetic location: 6p25.3.
Variant type: single nucleotide variant.
Coding change: c.730G>A on transcript NM_001453.3 (MANE Select); coding-DNA position 730, G replaced by A.
Protein change: p.Ala244Thr; replaces alanine 244 with threonine.
Molecular consequence: missense variant.
Genome position (GRCh38, 1-based): chr6:1,611,175, G>A. VCF-style: chr6-1611175-G-A. GRCh37 (hg19) VCF-style: chr6-1611410-G-A.
Other names: short protein forms A244T.
Identifiers: ClinVar variation 2760761 (VCV002760761.3), dbSNP rs927447431, ClinGen allele CA133390501.

ClinVar aggregate classification (germline): Uncertain significance (1 of 4 stars; one submission).

Conditions:
Axenfeld-Rieger syndrome type 3 (RIEG3). Also called: AXENFELD-RIEGER ANOMALY WITH CARDIAC DEFECTS AND/OR SENSORINEURAL HEARING LOSS. Identifiers: Orphanet 782, MedGen C2678503, MONDO:0011233, OMIM 602482.

Allele frequency attached by ClinVar (database versions not stated): TOPMed 0.00002.

Submission:

Labcorp Genetics (formerly Invitae), Labcorp
Classification: Uncertain significance for Axenfeld-Rieger syndrome type 3. Last evaluated: 2023-03-03. Review status: criteria provided, single submitter. Criteria: Invitae Variant Classification Sherloc (09022015). Collection method: clinical testing. Allele origin: germline.
Comment: In summary, the available evidence is currently insufficient to determine the role of this variant in disease. Therefore, it has been classified as a Variant of Uncertain Significance. An algorithm developed to predict the effect of missense changes on protein structure and function (PolyPhen-2) suggests that this variant is likely to be tolerated. This variant has not been reported in the literature in individuals affected with FOXC1-related conditions. This variant is not present in population databases (gnomAD no frequency). This sequence change replaces alanine, which is neutral and non-polar, with threonine, which is neutral and polar, at codon 244 of the FOXC1 protein (p.Ala244Thr).